The following is an entry in ClinVar:

ClinVar aggregate classification (germline): Uncertain significance (1 of 4 stars; one submission).

Conditions:
White-Kernohan syndrome. Also called: GLOBAL DEVELOPMENTAL DELAY, HYPOTONIA, AND CHARACTERISTIC FACIAL FEATURES. Identifiers: MedGen C5543635, MONDO:0859169, OMIM 619426.

Submission:

3billion
Classification: Uncertain significance for White-Kernohan syndrome. Last evaluated: 2024-12-21. Review status: criteria provided, single submitter. Criteria: ACMG Guidelines, 2015. Collection method: clinical testing. Allele origin: germline. Affected: yes.
Comment: The variant is not observed in the gnomAD v4.1.0 dataset. Predicted Consequence/Location: Missense variant. Missense changes are a common disease-causing mechanism. Damaging effect on gene or gene product predicted by in silico programs is uncertain [REVEL: 0.49 (damaging >=0.6, benign <0.4), 3Cnet: 0.56 (damaging >=0.6, benign <0.15)]. Therefore, this variant is classified as VUS according to the recommendation of ACMG/AMP guideline.

NM_001923.5(DDB1):c.2927T>C (p.Val976Ala)

Gene: DDB1 (damage specific DNA binding protein 1; minus strand). Cytogenetic location: 11q12.2.
Variant type: single nucleotide variant.
Coding change: c.2927T>C on transcript NM_001923.5 (MANE Select); coding-DNA position 2927, T replaced by C.
Protein change: p.Val976Ala; replaces valine 976 with alanine.
Molecular consequence: missense variant.
Genome position (GRCh38, 1-based): chr11:61,303,061, A>G on the plus strand (T>C on the coding strand, the complement: DDB1 is on the minus strand). VCF-style: chr11-61303061-A-G. GRCh37 (hg19) VCF-style: chr11-61070533-A-G.
Other names: short protein forms V976A.
Identifiers: ClinVar variation 4293486 (VCV004293486.1).